The following is an entry in ClinVar:

ClinVar aggregate classification (germline): Likely benign. Review status: criteria provided, multiple submitters, no conflicts (2 of 4 stars). 2 submissions from 2 submitters: Likely benign (2). Last evaluated 2025-09-01.

Conditions:
Fanconi anemia (FA). Also called: Fanconi's anemia. Identifiers: Orphanet 84, MedGen C0015625, MeSH D005199, MONDO:0019391.

Allele frequency attached by ClinVar (database versions not stated): gnomAD exomes below 0.00001; TOPMed below 0.00001.
gnomAD v4.1: 1 of 1,588,412 alleles (0.000063%); highest among the groups gnomAD compares: Admixed American, 0.0017%; no homozygotes.

Submissions (3):

CeGaT Center for Human Genetics Tuebingen
Classification: Likely benign. Last evaluated: 2025-09-01. Review status: criteria provided, single submitter. Criteria: CeGaT Center For Human Genetics Tuebingen Variant Classification Criteria Version 2. Collection method: clinical testing. Allele origin: germline. Affected: yes. Observed: 1 variant allele.
Comment: FANCL: BP4, BP7

Labcorp Genetics (formerly Invitae), Labcorp
Classification: Likely benign for Fanconi anemia. Last evaluated: 2025-05-13. Review status: criteria provided, single submitter. Criteria: Invitae Variant Classification Sherloc (09022015). Collection method: clinical testing. Allele origin: germline.

Dr. Peter K. Rogan Lab, Western University
No classification provided (evidence only). Condition: Colon adenocarcinoma. Review status: no classification provided. Collection method: in vitro. Allele origin: not applicable. Functional consequence: retained intron. Not counted in ClinVar's aggregate classification.

NM_018062.4(FANCL):c.1014A>G (p.Leu338=)

Gene: FANCL (FA complementation group L; minus strand). Cytogenetic location: 2p16.1.
Variant type: single nucleotide variant.
Coding change: c.1014A>G on transcript NM_018062.4 (MANE Select); coding-DNA position 1014, A replaced by G.
Protein change: p.Leu338=; no amino-acid change (leucine 338 retained).
Molecular consequence: synonymous variant.
Genome position (GRCh38, 1-based): chr2:58,161,528, T>C on the plus strand (A>G on the coding strand, the complement: FANCL is on the minus strand). VCF-style: chr2-58161528-T-C. GRCh37 (hg19) VCF-style: chr2-58388663-T-C.
Other names: c.1029A>G, p.Leu343= (NM_001114636.2); c.1059A>G, p.Leu353= (NM_001374615.1); c.1074A>G, p.Leu358= (NM_001410792.1).
Identifiers: ClinVar variation 2739322 (VCV002739322.11), dbSNP rs1021979267, ClinGen allele CA48352918.
Genomic context (GRCh38, chr2:58,161,528, plus strand): 5'-ACTTCCTATGTTGTGTTAGCGGAAAAAAGTCTTGACAATATTTTTATTTTTTACCTCATA[T>C]AAGCATATTTGATGGAAAGGTTGTCCACACTGAGAATTATCACACACTTGATCAGGAATG-3'
Protein context (NP_060532.2, residues 328-348): QCGQPFHQIC[Leu338=]YEWLRGLLTS